The following is an entry in ClinVar:

NM_002047.4(GARS1):c.1802A>G (p.Gln601Arg)

Gene: GARS1 (glycyl-tRNA synthetase 1; plus strand). Cytogenetic location: 7p14.3.
Variant type: single nucleotide variant.
Coding change: c.1802A>G on transcript NM_002047.4 (MANE Select); coding-DNA position 1802, A replaced by G.
Protein change: p.Gln601Arg; replaces glutamine 601 with arginine.
Molecular consequence: missense variant.
Genome position (GRCh38, 1-based): chr7:30,628,662, A>G. VCF-style: chr7-30628662-A-G. GRCh37 (hg19) VCF-style: chr7-30668278-A-G.
Other names: c.1640A>G, p.Gln547Arg (NM_001316772.1); short protein forms Q601R, Q547R.
Identifiers: ClinVar variation 3633367 (VCV003633367.2).

ClinVar aggregate classification (germline): Uncertain significance (1 of 4 stars; one submission).

Conditions:
Charcot-Marie-Tooth disease type 2. Also called: Charcot-Marie-Tooth type 2. Identifiers: Orphanet 64746, MedGen C0270914, MONDO:0018993.

Submission:

Labcorp Genetics (formerly Invitae), Labcorp
Classification: Uncertain significance for Charcot-Marie-Tooth disease type 2. Last evaluated: 2024-03-24. Review status: criteria provided, single submitter. Criteria: Invitae Variant Classification Sherloc (09022015). Collection method: clinical testing. Allele origin: germline.
Comment: This sequence change replaces glutamine, which is neutral and polar, with arginine, which is basic and polar, at codon 601 of the GARS protein (p.Gln601Arg). This variant is not present in population databases (gnomAD no frequency). This variant has not been reported in the literature in individuals affected with GARS-related conditions. Advanced modeling of protein sequence and biophysical properties (such as structural, functional, and spatial information, amino acid conservation, physicochemical variation, residue mobility, and thermodynamic stability) performed at Invitae indicates that this missense variant is not expected to disrupt GARS protein function with a negative predictive value of 80%. In summary, the available evidence is currently insufficient to determine the role of this variant in disease. Therefore, it has been classified as a Variant of Uncertain Significance.